The following is an entry in ClinVar:

ClinVar aggregate classification (germline): Pathogenic/Likely pathogenic. Review status: criteria provided, multiple submitters, no conflicts (2 of 4 stars). 3 submissions from 3 submitters: Pathogenic (2); Likely pathogenic (1). Last evaluated 2025-01-03.

Conditions:
Autosomal recessive nonsyndromic hearing loss 8 (DFNB8). Also called: NEUROSENSORY NONSYNDROMIC RECESSIVE DEAFNESS 8; Deafness, autosomal recessive 10. Identifiers: Orphanet 90636, MedGen C1832827, MONDO:0010987, OMIM 601072.

Allele frequency attached by ClinVar (database versions not stated): gnomAD exomes below 0.00001; ExAC 0.00001.
gnomAD v4.1: 4 of 1,614,070 alleles (0.00025%); highest among the groups gnomAD compares: East Asian, 0.0089%; no homozygotes.

Submissions (3):

Women's Health and Genetics/Laboratory Corporation of America, LabCorp
Classification: Pathogenic for Autosomal recessive nonsyndromic hearing loss 8. Last evaluated: 2025-01-03. Review status: criteria provided, single submitter. Criteria: LabCorp Variant Classification Summary - May 2015. Collection method: clinical testing. Allele origin: germline.
Comment: Variant summary: TMPRSS3 c.551T>C (p.Leu184Ser) results in a non-conservative amino acid change located in the Scavenger receptor cysteine-rich domain of the encoded protein sequence. Two of three in-silico tools predict a benign effect of the variant on protein function. The variant allele was found at a frequency of 1.6e-05 in 251494 control chromosomes. c.551T>C has been reported in the literature in individuals affected with Deafness, Autosomal Recessive 8 (example: Sang_2019, Wang_2021). These data indicate that the variant is likely to be associated with disease. At least one publication reports experimental evidence that this missense change affects TMPRSS3 function (Wong_2020). The following publications have been ascertained in the context of this evaluation (PMID: 31379920, 33597575, 32235586). ClinVar contains an entry for this variant (Variation ID: 2907554). Based on the evidence outlined above, the variant was classified as pathogenic.

Labcorp Genetics (formerly Invitae), Labcorp
Classification: Pathogenic. Last evaluated: 2023-09-08. Review status: criteria provided, single submitter. Criteria: Invitae Variant Classification Sherloc (09022015). Collection method: clinical testing. Allele origin: germline.
Comment: This variant is present in population databases (rs770046529, gnomAD 0.02%). Advanced modeling of protein sequence and biophysical properties (such as structural, functional, and spatial information, amino acid conservation, physicochemical variation, residue mobility, and thermodynamic stability) has been performed at Invitae for this missense variant, however the output from this modeling did not meet the statistical confidence thresholds required to predict the impact of this variant on TMPRSS3 protein function. This missense change has been observed in individual(s) with deafness (PMID: 31016883, 31379920, 33597575). In at least one individual the data is consistent with being in trans (on the opposite chromosome) from a pathogenic variant. It has also been observed to segregate with disease in related individuals. For these reasons, this variant has been classified as Pathogenic. Experimental studies have shown that this missense change affects TMPRSS3 function (PMID: 32235586). This sequence change replaces leucine, which is neutral and non-polar, with serine, which is neutral and polar, at codon 184 of the TMPRSS3 protein (p.Leu184Ser).

Juno Genomics, Hangzhou Juno Genomics, Inc
Classification: Likely pathogenic for Autosomal recessive nonsyndromic hearing loss 8. Review status: criteria provided, single submitter. Criteria: ACMG Guidelines, 2015. Collection method: clinical testing. Allele origin: germline.
Comment: Absent from controls (or at extremely low frequency if recessive) in Genome Aggregation Database.;For recessive disorders, detected in trans with a pathogenic variant.;Co-segregation with disease in multiple affected family members.;Well-established in vitro or in vivo functional studies supportive of a damaging effect on the gene or gene product.

Literature cited by the submitters: PubMed 33597575 (cited by Women's Health and Genetics/Laboratory Corporation of America, LabCorp and Labcorp Genetics (formerly Invitae), Labcorp); PubMed 31379920 (cited by Women's Health and Genetics/Laboratory Corporation of America, LabCorp and Labcorp Genetics (formerly Invitae), Labcorp); PubMed 32235586 (cited by Women's Health and Genetics/Laboratory Corporation of America, LabCorp and Labcorp Genetics (formerly Invitae), Labcorp); PubMed 31016883 (cited by Labcorp Genetics (formerly Invitae), Labcorp).

NM_001256317.3(TMPRSS3):c.551T>C (p.Leu184Ser)

Gene: TMPRSS3 (transmembrane serine protease 3; minus strand). Cytogenetic location: 21q22.3.
Variant type: single nucleotide variant.
Coding change: c.551T>C on transcript NM_001256317.3 (MANE Select); coding-DNA position 551, T replaced by C.
Protein change: p.Leu184Ser; replaces leucine 184 with serine.
Molecular consequence: missense variant.
Genome position (GRCh38, 1-based): chr21:42,385,430, A>G on the plus strand (T>C on the coding strand, the complement: TMPRSS3 is on the minus strand). VCF-style: chr21-42385430-A-G. GRCh37 (hg19) VCF-style: chr21-43805539-A-G.
Other names: c.551T>C, p.Leu184Ser (NM_024022.4, NM_032405.2); c.170T>C, p.Leu57Ser (NM_032404.3); short protein forms L184S, L57S.
Identifiers: ClinVar variation 2907554 (VCV002907554.7), dbSNP rs770046529, ClinGen allele CA10042594.